The following is an entry in ClinVar:

NM_004629.2(FANCG):c.466C>T (p.Leu156Phe)

Gene: FANCG (FA complementation group G; minus strand). Cytogenetic location: 9p13.3.
Variant type: single nucleotide variant.
Coding change: c.466C>T on transcript NM_004629.2 (MANE Select); coding-DNA position 466, C replaced by T.
Protein change: p.Leu156Phe; replaces leucine 156 with phenylalanine.
Molecular consequence: missense variant.
Genome position (GRCh38, 1-based): chr9:35,078,185, G>A on the plus strand (C>T on the coding strand, the complement: FANCG is on the minus strand). VCF-style: chr9-35078185-G-A. GRCh37 (hg19) VCF-style: chr9-35078182-G-A.
Other names: short protein forms L156F.
Identifiers: ClinVar variation 4619392 (VCV004619392.1).

ClinVar aggregate classification (germline): Uncertain significance (1 of 4 stars; one submission).

Conditions:
Inborn genetic diseases. Identifiers: MedGen C0950123, MeSH D030342.

Submission:

Ambry Genetics
Classification: Uncertain significance for Inborn genetic diseases. Last evaluated: 2025-11-18. Review status: criteria provided, single submitter. Criteria: Ambry Variant Classification Scheme 2023. Collection method: clinical testing. Allele origin: germline.
Comment: The p.L156F variant (also known as c.466C>T), located in coding exon 4 of the FANCG gene, results from a C to T substitution at nucleotide position 466. The leucine at codon 156 is replaced by phenylalanine, an amino acid with highly similar properties. This amino acid position is conserved. In addition, the in silico prediction for this alteration is inconclusive. Based on the available evidence, the clinical significance of this variant remains unclear.